The following is an entry in ClinVar:

NM_001843.4(CNTN1):c.1813G>A (p.Gly605Ser)

Gene: CNTN1 (contactin 1; plus strand). Cytogenetic location: 12q12.
Variant type: single nucleotide variant.
Coding change: c.1813G>A on transcript NM_001843.4 (MANE Select); coding-DNA position 1813, G replaced by A.
Protein change: p.Gly605Ser; replaces glycine 605 with serine.
Molecular consequence: missense variant.
Genome position (GRCh38, 1-based): chr12:40,980,917, G>A. VCF-style: chr12-40980917-G-A. GRCh37 (hg19) VCF-style: chr12-41374719-G-A.
Other names: c.1780G>A, p.Gly594Ser (NM_175038.2); short protein forms G605S, G594S.
Identifiers: ClinVar variation 964588 (VCV000964588.7), dbSNP rs1172211353, ClinGen allele CA384585744.

ClinVar aggregate classification (germline): Uncertain significance (1 of 4 stars; one submission).

Conditions:
Compton-North congenital myopathy (CMYO12). Identifiers: Orphanet 210163, MedGen C2675527, MONDO:0012929, OMIM 612540.

Allele frequency attached by ClinVar (database versions not stated): gnomAD 0.00001; TOPMed 0.00001; gnomAD exomes 0.00002.
gnomAD v4.1: 26 of 1,613,792 alleles (0.0016%); highest among the groups gnomAD compares: Non-Finnish European, 0.0021%; no homozygotes.

Submission:

Labcorp Genetics (formerly Invitae), Labcorp
Classification: Uncertain significance for Compton-North congenital myopathy. Last evaluated: 2022-08-23. Review status: criteria provided, single submitter. Criteria: Invitae Variant Classification Sherloc (09022015). Collection method: clinical testing. Allele origin: germline.
Comment: This sequence change replaces glycine, which is neutral and non-polar, with serine, which is neutral and polar, at codon 605 of the CNTN1 protein (p.Gly605Ser). This variant is present in population databases (no rsID available, gnomAD 0.007%). This variant has not been reported in the literature in individuals affected with CNTN1-related conditions. ClinVar contains an entry for this variant (Variation ID: 964588). Advanced modeling of protein sequence and biophysical properties (such as structural, functional, and spatial information, amino acid conservation, physicochemical variation, residue mobility, and thermodynamic stability) performed at Invitae indicates that this missense variant is not expected to disrupt CNTN1 protein function. In summary, the available evidence is currently insufficient to determine the role of this variant in disease. Therefore, it has been classified as a Variant of Uncertain Significance.